The following is an entry in ClinVar:

NM_024078.3(NOC4L):c.648C>T (p.Ala216=)

Gene: NOC4L (nucleolar complex associated 4 homolog; plus strand). Cytogenetic location: 12q24.33.
Variant type: single nucleotide variant.
Coding change: c.648C>T on transcript NM_024078.3 (MANE Select); coding-DNA position 648, C replaced by T.
Protein change: p.Ala216=; no amino-acid change (alanine 216 retained).
Molecular consequence: synonymous variant. On other transcripts: non-coding transcript variant (2).
Genome position (GRCh38, 1-based): chr12:132,147,924, C>T. VCF-style: chr12-132147924-C-T. GRCh37 (hg19) VCF-style: chr12-132632469-C-T.
Other names: c.648C>T, p.Ala216= (NM_001414688.1, NM_001414689.1, NM_001414691.1); c.591C>T, p.Ala197= (NM_001414690.1); c.375C>T, p.Ala125= (NM_001414692.1).
Identifiers: ClinVar variation 3898359 (VCV003898359.7).

ClinVar aggregate classification (germline): Likely benign (1 of 4 stars; one submission).

gnomAD v4.1: 89 of 1,602,278 alleles (0.0056%); highest among the groups gnomAD compares: African/African-American, 0.02%; no homozygotes.

Submission:

CeGaT Center for Human Genetics Tuebingen
Classification: Likely benign. Last evaluated: 2025-04-01. Review status: criteria provided, single submitter. Criteria: CeGaT Center For Human Genetics Tuebingen Variant Classification Criteria Version 2. Collection method: clinical testing. Allele origin: germline. Affected: yes. Observed: 1 variant allele.
Comment: NOC4L: BP4, BP7